The following is an entry in ClinVar:

ClinVar aggregate classification (germline): Uncertain significance. Review status: criteria provided, multiple submitters, no conflicts (2 of 4 stars). 2 submissions from 2 submitters: Uncertain significance (2). Last evaluated 2025-04-01.

Conditions:
Muscular dystrophy-dystroglycanopathy (congenital with brain and eye anomalies), type a, 12 (MDDGA12). Also called: WALKER-WARBURG SYNDROME OR MUSCLE-EYE-BRAIN DISEASE, POMK-RELATED. Identifiers: Orphanet 899, MedGen C3808964, MONDO:0014101, OMIM 615249.
Limb-girdle muscular dystrophy due to POMK deficiency. Also called: Muscular dystrophy-dystroglycanopathy (limb-girdle), type c, 12; MUSCULAR DYSTROPHY-DYSTROGLYCANOPATHY, LIMB-GIRDLE, POMK-RELATED. Identifiers: Orphanet 445110, MedGen C4015184, MONDO:0014489, OMIM 616094.
Inborn genetic diseases. Identifiers: MedGen C0950123, MeSH D030342.

Allele frequency attached by ClinVar (database versions not stated): ExAC 0.00002; gnomAD 0.00006 and 0.00007; gnomAD exomes 0.00006 and 0.00003; 1000 Genomes Project 30x 0.00016; 1000 Genomes Project 0.00020; TOPMed 0.00009.
gnomAD v4.1: 62 of 1,614,140 alleles (0.0038%); highest among the groups gnomAD compares: Admixed American, 0.025%; no homozygotes.

Submissions (2):

Ambry Genetics
Classification: Uncertain significance for Inborn genetic diseases. Last evaluated: 2025-04-01. Review status: criteria provided, single submitter. Criteria: Ambry Variant Classification Scheme 2023. Collection method: clinical testing. Allele origin: germline.

Labcorp Genetics (formerly Invitae), Labcorp
Classification: Uncertain significance for Muscular dystrophy-dystroglycanopathy (congenital with brain and eye anomalies), type a, 12; Limb-girdle muscular dystrophy due to POMK deficiency. Last evaluated: 2022-09-01. Review status: criteria provided, single submitter. Criteria: Invitae Variant Classification Sherloc (09022015). Collection method: clinical testing. Allele origin: germline.
Comment: This sequence change replaces valine, which is neutral and non-polar, with alanine, which is neutral and non-polar, at codon 234 of the POMK protein (p.Val234Ala). This variant is present in population databases (rs185390123, gnomAD 0.02%). This variant has not been reported in the literature in individuals affected with POMK-related conditions. ClinVar contains an entry for this variant (Variation ID: 944279). Algorithms developed to predict the effect of missense changes on protein structure and function are either unavailable or do not agree on the potential impact of this missense change (SIFT: "Deleterious"; PolyPhen-2: "Benign"; Align-GVGD: "Class C55"). In summary, the available evidence is currently insufficient to determine the role of this variant in disease. Therefore, it has been classified as a Variant of Uncertain Significance.

NM_032237.5(POMK):c.701T>C (p.Val234Ala)

Gene: POMK (protein O-mannose kinase; plus strand). Cytogenetic location: 8p11.21.
Variant type: single nucleotide variant.
Coding change: c.701T>C on transcript NM_032237.5 (MANE Select); coding-DNA position 701, T replaced by C.
Protein change: p.Val234Ala; replaces valine 234 with alanine.
Molecular consequence: missense variant.
Genome position (GRCh38, 1-based): chr8:43,122,525, T>C. VCF-style: chr8-43122525-T-C. GRCh37 (hg19) VCF-style: chr8-42977668-T-C.
Other names: c.701T>C, p.Val234Ala (NM_001277971.2); c.701T>C (NM_032237.3); short protein forms V234A.
Identifiers: ClinVar variation 944279 (VCV000944279.6), dbSNP rs185390123, ClinGen allele CA4736339.